The following is an entry in ClinVar:

NM_012268.4(PLD3):c.725G>A (p.Arg242Gln)

Gene: PLD3 (phospholipase D family member 3; plus strand). Cytogenetic location: 19q13.2.
Variant type: single nucleotide variant.
Coding change: c.725G>A on transcript NM_012268.4 (MANE Select); coding-DNA position 725, G replaced by A.
Protein change: p.Arg242Gln; replaces arginine 242 with glutamine.
Molecular consequence: missense variant.
Genome position (GRCh38, 1-based): chr19:40,371,719, G>A. VCF-style: chr19-40371719-G-A. GRCh37 (hg19) VCF-style: chr19-40877626-G-A.
Other names: c.725G>A, p.Arg242Gln (NM_001031696.4, NM_001291311.2); short protein forms R242Q.
Identifiers: ClinVar variation 2141180 (VCV002141180.4), dbSNP rs757965784, ClinGen allele CA9442816.

ClinVar aggregate classification (germline): Uncertain significance (1 of 4 stars; one submission).

Allele frequency attached by ClinVar (database versions not stated): ExAC 0.00002; gnomAD exomes 0.00006.
gnomAD v4.1: 95 of 1,613,766 alleles (0.0059%); highest among the groups gnomAD compares: Middle Eastern, 0.016%; no homozygotes.

Submission:

Labcorp Genetics (formerly Invitae), Labcorp
Classification: Uncertain significance. Last evaluated: 2024-10-24. Review status: criteria provided, single submitter. Criteria: Invitae Variant Classification Sherloc (09022015). Collection method: clinical testing. Allele origin: germline.
Comment: This sequence change replaces arginine, which is basic and polar, with glutamine, which is neutral and polar, at codon 242 of the PLD3 protein (p.Arg242Gln). This variant is present in population databases (rs757965784, gnomAD 0.009%). This variant has not been reported in the literature in individuals affected with PLD3-related conditions. ClinVar contains an entry for this variant (Variation ID: 2141180). An algorithm developed to predict the effect of missense changes on protein structure and function outputs the following: PolyPhen-2: "Benign". The glutamine amino acid residue is found in multiple mammalian species, which suggests that this missense change does not adversely affect protein function. In summary, the available evidence is currently insufficient to determine the role of this variant in disease. Therefore, it has been classified as a Variant of Uncertain Significance.